The following is an entry in ClinVar:

NM_004370.6(COL12A1):c.3901C>T (p.Arg1301Ter)

Gene: COL12A1 (collagen type XII alpha 1 chain; minus strand). Cytogenetic location: 6q13.
Variant type: single nucleotide variant.
Coding change: c.3901C>T on transcript NM_004370.6 (MANE Select); coding-DNA position 3901, C replaced by T.
Protein change: p.Arg1301Ter; replaces arginine 1301 with a stop codon.
Molecular consequence: nonsense.
Genome position (GRCh38, 1-based): chr6:75,151,966, G>A on the plus strand (C>T on the coding strand, the complement: COL12A1 is on the minus strand). VCF-style: chr6-75151966-G-A. GRCh37 (hg19) VCF-style: chr6-75861682-G-A.
Other names: c.3901C>T (NM_004370.5); c.409C>T, p.Arg137Ter (NM_080645.3); short protein forms R1301*, R137*.
Identifiers: ClinVar variation 929448 (VCV000929448.8), dbSNP rs1304140510, ClinGen allele CA364748243.

ClinVar aggregate classification (germline): Pathogenic/Likely pathogenic. Review status: criteria provided, multiple submitters, no conflicts (2 of 4 stars). 4 submissions from 4 submitters: Pathogenic (2); Likely pathogenic (2). Last evaluated 2024-10-09.

Conditions:
Ullrich congenital muscular dystrophy 2 (UCMD2). Identifiers: Orphanet 75840, MedGen C4225314, MONDO:0014654, OMIM 616470.
Bethlem myopathy 2 (BTHLM2). Identifiers: Orphanet 536516, Orphanet 610, MedGen C4225313, MONDO:0034022, OMIM 616471.

Allele frequency attached by ClinVar (database versions not stated): gnomAD exomes below 0.00001; TOPMed below 0.00001; gnomAD 0.00001.
gnomAD v4.1: 8 of 1,613,620 alleles (0.0005%); highest among the groups gnomAD compares: African/African-American, 0.0027%; no homozygotes.

Submissions (4):

Victorian Clinical Genetics Services, Murdoch Childrens Research Institute
Classification: Likely pathogenic for Ullrich congenital muscular dystrophy 2. Last evaluated: 2024-10-09. Review status: criteria provided, single submitter. Criteria: ACMG Guidelines, 2015. Collection method: clinical testing. Allele origin: germline. Inheritance: Autosomal recessive inheritance. Affected: yes.
Comment: Based on the classification scheme VCGS_Germline_v1.3.4, this variant is classified as Likely pathogenic. Following criteria are met: 0104 - Dominant negative is a known mechanism of disease in this gene for glycine substitutions and is associated with myopathic Ehlers-Danlos syndrome (EDS) (PMID: 24334769). Loss of function is suspected to be the mechanism of disease for autosomal recessive Ullrich congenital muscular dystrophy 2 (MIM#616470). Many other LoF-type variants have been classified as pathogenic or likely pathogenic by clinical laboratories in ClinVar; however, current evidence for LoF-type variants causing dominant disease is limited (PMID: 31273343). (I) 0107 - This gene is associated with autosomal dominant disease. There are limited reports of autosomal recessive disease in the literature (PMIDs: 24334604, 28973083). (I) 0201 - Variant is predicted to cause nonsense-mediated decay (NMD) and loss of protein (premature termination codon is located at least 54 nucleotides upstream of the final exon-exon junction). (SP) 0251 - This variant is heterozygous. (I) 0304 - Variant is present in gnomAD <0.01 (v2: 3 heterozygotes, 0 homozygotes). (SP) 0703 - Other NMD-predicted variants comparable to the one identified in this case have moderate previous evidence for pathogenicity. An NMD-predicted variant was observed as compound heterozygous with a splice variant in one affected individual, and a canonical splice variant with functional studies demonstrating exon 50 skipping causing a frameshift with an NMD-predicted outcome has been observed as homozygous in two siblings with an Ullrich-like myopathy (PMIDs: 24334604, 28973083). A heterozygous NMD-predicted variant has been reported in a child with hypotonia; however, it was not regarded as the diagnosis (PMID: 30907627). In addition, two heterozygous NMD-predicted variants have been observed, one in an individual with an Ullrich-like myopathy which segregated in their mother who had hypotonia and hypermobility, and one in an individual with a connective tissue disorder and delayed motor development. (SP) 0807 - This variant has no previous evidence of pathogenicity. It has been reported as pathogenic and heterozygous in an individual with muscular dystrophy with proximal weakness and a non-irritative myopathy in whom a second COL12A1 variant was not identified; however, a likely diagnosis was identified in an alternative gene (ClinVar, personal communication). (I) 0905 - No published segregation evidence has been identified for this variant. (I) 1007 - No published functional evidence has been identified for this variant. (I) Legend: (SP) - Supporting pathogenic, (I) - Information, (SB) - Supporting benign

Labcorp Genetics (formerly Invitae), Labcorp
Classification: Pathogenic for Bethlem myopathy 2; Ullrich congenital muscular dystrophy 2. Last evaluated: 2024-04-25. Review status: criteria provided, single submitter. Criteria: Invitae Variant Classification Sherloc (09022015). Collection method: clinical testing. Allele origin: germline.
Comment: This sequence change creates a premature translational stop signal (p.Arg1301*) in the COL12A1 gene. It is expected to result in an absent or disrupted protein product. Loss-of-function variants in COL12A1 are known to be pathogenic (PMID: 24334604, 28973083). The frequency data for this variant in the population databases is considered unreliable, as metrics indicate poor data quality at this position in the gnomAD database. This variant has not been reported in the literature in individuals affected with COL12A1-related conditions. ClinVar contains an entry for this variant (Variation ID: 929448). For these reasons, this variant has been classified as Pathogenic.

Kariminejad - Najmabadi Pathology & Genetics Center
Classification: Pathogenic for Ullrich congenital muscular dystrophy 2; Bethlem myopathy 2. Last evaluated: 2021-09-05. Review status: criteria provided, single submitter. Criteria: ACMG Guidelines, 2015. Collection method: clinical testing. Allele origin: germline. Inheritance: Autosomal recessive inheritance. Affected: yes.
Comment: PVS1, PM2, PP3

HudsonAlpha Institute for Biotechnology
Classification: Likely pathogenic for Ullrich congenital muscular dystrophy 2. Last evaluated: 2020-04-02. Review status: criteria provided, single submitter. Criteria: ACMG Guidelines, 2015. Collection method: research. Allele origin: maternal. Affected: yes. Observed: 1 variant allele. Study: CSER-SouthSeq.
Comment: ACMG codes: PVS1, PM2

Literature cited by the submitters: PubMed 24334604 (cited by Victorian Clinical Genetics Services, Murdoch Childrens Research Institute and Labcorp Genetics (formerly Invitae), Labcorp); PubMed 24334769 (cited by Victorian Clinical Genetics Services, Murdoch Childrens Research Institute); PubMed 28973083 (cited by Victorian Clinical Genetics Services, Murdoch Childrens Research Institute and Labcorp Genetics (formerly Invitae), Labcorp); PubMed 30907627 (cited by Victorian Clinical Genetics Services, Murdoch Childrens Research Institute); PubMed 31273343 (cited by Victorian Clinical Genetics Services, Murdoch Childrens Research Institute).